The following is an entry in ClinVar:

NM_006269.2(RP1):c.2873A>G (p.His958Arg)

Gene: RP1 (RP1 axonemal microtubule associated; plus strand). Cytogenetic location: 8q12.1.
Variant type: single nucleotide variant.
Coding change: c.2873A>G on transcript NM_006269.2 (MANE Select); coding-DNA position 2873, A replaced by G.
Protein change: p.His958Arg; replaces histidine 958 with arginine.
Molecular consequence: missense variant. On other transcripts: intron variant (1).
Genome position (GRCh38, 1-based): chr8:54,626,755, A>G. VCF-style: chr8-54626755-A-G. GRCh37 (hg19) VCF-style: chr8-55539315-A-G.
Other names: c.787+4467A>G (NM_001375654.1); short protein forms H958R.
Identifiers: ClinVar variation 1962829 (VCV001962829.5), dbSNP rs754138300, ClinGen allele CA4751596.
Genomic context (GRCh38, chr8:54,626,755, plus strand): 5'-GTAGAAATGAAACGAGTGTGGTAAATTGTAGCAATAATAGTTTTTCAGGGAATGATCCCC[A>G]TACAAATTCTGGAAAAATAAGTAATTTTGTTATGGAAAGTAATAAGCACATAACTAAAAT-3'
Protein context (NP_006260.1, residues 948-968): SNNSFSGNDP[His958Arg]TNSGKISNFV

ClinVar aggregate classification (germline): Uncertain significance (1 of 4 stars; one submission).

gnomAD v4.1: 8 of 1,613,930 alleles (0.0005%); highest among the groups gnomAD compares: Admixed American, 0.005%; no homozygotes.

Submission:

Labcorp Genetics (formerly Invitae), Labcorp
Classification: Uncertain significance. Last evaluated: 2022-08-09. Review status: criteria provided, single submitter. Criteria: Invitae Variant Classification Sherloc (09022015). Collection method: clinical testing. Allele origin: germline.
Comment: This sequence change replaces histidine, which is basic and polar, with arginine, which is basic and polar, at codon 958 of the RP1 protein (p.His958Arg). This variant is present in population databases (rs754138300, gnomAD 0.009%). This variant has not been reported in the literature in individuals affected with RP1-related conditions. In summary, the available evidence is currently insufficient to determine the role of this variant in disease. Therefore, it has been classified as a Variant of Uncertain Significance. Algorithms developed to predict the effect of missense changes on protein structure and function output the following: SIFT: "Tolerated"; PolyPhen-2: "Benign"; Align-GVGD: "Class C0". The arginine amino acid residue is found in multiple mammalian species, which suggests that this missense change does not adversely affect protein function.